The following is an entry in ClinVar:

ClinVar aggregate classification (germline): Uncertain significance (1 of 4 stars; one submission).

Allele frequency attached by ClinVar (database versions not stated): gnomAD exomes below 0.00001; ExAC 0.00001; gnomAD 0.00002; TOPMed 0.00002; ESP Exome Variant Server 0.00008.
gnomAD v4.1: 6 of 1,614,092 alleles (0.00037%); highest among the groups gnomAD compares: Middle Eastern, 0.016%; no homozygotes.

Submission:

Women's Health and Genetics/Laboratory Corporation of America, LabCorp
Classification: Uncertain significance. Last evaluated: 2024-04-29. Review status: criteria provided, single submitter. Criteria: LabCorp Variant Classification Summary - May 2015. Collection method: clinical testing. Allele origin: germline.
Comment: Variant summary: SPEN c.5576G>A (p.Arg1859Gln) results in a conservative amino acid change in the encoded protein sequence. Three of five in-silico tools predict a damaging effect of the variant on protein function. The variant allele was found at a frequency of 4e-06 in 251450 control chromosomes. The available data on variant occurrences in the general population are insufficient to allow any conclusion about variant significance. To our knowledge, no occurrence of c.5576G>A in individuals affected with Radio-Tartaglia Syndrome and no experimental evidence demonstrating its impact on protein function have been reported. No submitters have cited clinical-significance assessments for this variant to ClinVar. Based on the evidence outlined above, the variant was classified as uncertain significance.

NM_015001.3(SPEN):c.5576G>A (p.Arg1859Gln)

Gene: SPEN (spen family transcriptional repressor; plus strand). Cytogenetic location: 1p36.13.
Variant type: single nucleotide variant.
Coding change: c.5576G>A on transcript NM_015001.3 (MANE Select); coding-DNA position 5576, G replaced by A.
Protein change: p.Arg1859Gln; replaces arginine 1859 with glutamine.
Molecular consequence: missense variant.
Genome position (GRCh38, 1-based): chr1:15,931,816, G>A. VCF-style: chr1-15931816-G-A. GRCh37 (hg19) VCF-style: chr1-16258311-G-A.
Other names: short protein forms R1859Q.
Identifiers: ClinVar variation 3251457 (VCV003251457.1), dbSNP rs141410317.